The following is an entry in ClinVar:

ClinVar aggregate classification (germline): Uncertain significance (1 of 4 stars; one submission).

Conditions:
CACNA1A-related disorder. Also called: CACNA1A-related condition.

Submission:

PreventionGenetics, part of Exact Sciences
Classification: Uncertain significance for CACNA1A-related condition. Last evaluated: 2026-04-04. Review status: criteria provided, single submitter. Criteria: ACMG Guidelines, 2015. Collection method: clinical testing. Allele origin: germline.
Comment: The CACNA1A c.481A>G variant is predicted to result in the amino acid substitution p.Lys161Glu. To our knowledge, this variant has not been reported in the literature or in a large population database (gnomAD), indicating this variant is rare. At this time, the clinical significance of this variant is uncertain due to the absence of conclusive functional and genetic evidence.

NM_001127222.2(CACNA1A):c.481A>G (p.Lys161Glu)

Gene: CACNA1A (calcium voltage-gated channel subunit alpha1 A; minus strand). Cytogenetic location: 19p13.13.
Variant type: single nucleotide variant.
Coding change: c.481A>G on transcript NM_001127222.2 (MANE Select); coding-DNA position 481, A replaced by G.
Protein change: p.Lys161Glu; replaces lysine 161 with glutamic acid.
Molecular consequence: missense variant.
Genome position (GRCh38, 1-based): chr19:13,452,934, T>C on the plus strand (A>G on the coding strand, the complement: CACNA1A is on the minus strand). VCF-style: chr19-13452934-T-C. GRCh37 (hg19) VCF-style: chr19-13563748-T-C.
Other names: c.481A>G, p.Lys161Glu (NM_000068.4, NM_001127221.2, NM_001174080.2 and 1 more transcripts); short protein forms K161E.
Identifiers: ClinVar variation 4996446 (VCV004996446.1).